The following is an entry in ClinVar:

ClinVar aggregate classification (germline): Uncertain significance. Review status: criteria provided, multiple submitters, no conflicts (2 of 4 stars). 2 submissions from 2 submitters: Uncertain significance (2). Last evaluated 2025-02-07.

Conditions:
Inborn genetic diseases. Identifiers: MedGen C0950123, MeSH D030342.

Allele frequency attached by ClinVar (database versions not stated): gnomAD 0.00001; TOPMed 0.00002.
gnomAD v4.1: 1 of 1,608,080 alleles (0.000062%); highest among the groups gnomAD compares: African/African-American, 0.0013%; no homozygotes.

Submissions (2):

Ambry Genetics
Classification: Uncertain significance for Inborn genetic diseases. Last evaluated: 2025-02-07. Review status: criteria provided, single submitter. Criteria: Ambry Variant Classification Scheme 2023. Collection method: clinical testing. Allele origin: germline.
Comment: The p.H1060Y variant (also known as c.3178C>T), located in coding exon 15 of the MECOM gene, results from a C to T substitution at nucleotide position 3178. The histidine at codon 1060 is replaced by tyrosine, an amino acid with similar properties. This amino acid position is conserved. In addition, this alteration is predicted to be tolerated by in silico analysis. Based on the available evidence, the clinical significance of this variant remains unclear.

Labcorp Genetics (formerly Invitae), Labcorp
Classification: Uncertain significance. Last evaluated: 2024-05-16. Review status: criteria provided, single submitter. Criteria: Invitae Variant Classification Sherloc (09022015). Collection method: clinical testing. Allele origin: germline.
Comment: This sequence change replaces histidine, which is basic and polar, with tyrosine, which is neutral and polar, at codon 872 of the MECOM protein (p.His872Tyr). This variant is not present in population databases (gnomAD no frequency). This variant has not been reported in the literature in individuals affected with MECOM-related conditions. ClinVar contains an entry for this variant (Variation ID: 2044213). An algorithm developed to predict the effect of missense changes on protein structure and function (PolyPhen-2) suggests that this variant is likely to be tolerated. In summary, the available evidence is currently insufficient to determine the role of this variant in disease. Therefore, it has been classified as a Variant of Uncertain Significance.

NM_004991.4(MECOM):c.3178C>T (p.His1060Tyr)

Gene: MECOM (MDS1 and EVI1 complex locus; minus strand). Cytogenetic location: 3q26.2.
Variant type: single nucleotide variant.
Coding change: c.3178C>T on transcript NM_004991.4 (MANE Select); coding-DNA position 3178, C replaced by T.
Protein change: p.His1060Tyr; replaces histidine 1060 with tyrosine.
Molecular consequence: missense variant.
Genome position (GRCh38, 1-based): chr3:169,090,223, G>A on the plus strand (C>T on the coding strand, the complement: MECOM is on the minus strand). VCF-style: chr3-169090223-G-A. GRCh37 (hg19) VCF-style: chr3-168808011-G-A.
Other names: c.3178C>T (NM_004991.3); c.2809C>T, p.His937Tyr (NM_001105077.4); c.2614C>T, p.His872Tyr (NM_001105078.4, NM_001205194.2, NM_001366469.2 and 1 more transcripts); c.2590C>T, p.His864Tyr (NM_001163999.2, NM_001366470.2); c.2587C>T, p.His863Tyr (NM_001164000.2, NM_001366471.2, NM_001366472.2); c.3151C>T, p.His1051Tyr (NM_001366466.2); c.2617C>T, p.His873Tyr (NM_001366467.2, NM_001366468.2); c.2179C>T, p.His727Tyr (NM_001366473.2); and 1 more; short protein forms H872Y, H873Y, H937Y, H1051Y, H1060Y, H864Y, H539Y, H863Y.
Identifiers: ClinVar variation 2044213 (VCV002044213.7), dbSNP rs980456056, ClinGen allele CA87583612.